The following is an entry in ClinVar:

NM_001101362.3(KBTBD13):c.555C>T (p.Asp185=)

Gene: KBTBD13 (kelch repeat and BTB domain containing 13; plus strand). Cytogenetic location: 15q22.31.
Variant type: single nucleotide variant.
Coding change: c.555C>T on transcript NM_001101362.3 (MANE Select); coding-DNA position 555, C replaced by T.
Protein change: p.Asp185=; no amino-acid change (aspartic acid 185 retained).
Molecular consequence: synonymous variant.
Genome position (GRCh38, 1-based): chr15:65,077,370, C>T. VCF-style: chr15-65077370-C-T. GRCh37 (hg19) VCF-style: chr15-65369708-C-T.
Identifiers: ClinVar variation 3680246 (VCV003680246.2).

ClinVar aggregate classification (germline): Uncertain significance (1 of 4 stars; one submission).

Conditions:
Nemaline myopathy 6 (NEM6). Also called: Nemaline myopathy 6, autosomal dominant. Identifiers: Orphanet 171439, MedGen C1836472, MONDO:0012237, OMIM 609273.

Submission:

Labcorp Genetics (formerly Invitae), Labcorp
Classification: Uncertain significance for Nemaline myopathy 6. Last evaluated: 2024-02-07. Review status: criteria provided, single submitter. Criteria: Invitae Variant Classification Sherloc (09022015). Collection method: clinical testing. Allele origin: germline.
Comment: This sequence change affects codon 185 of the KBTBD13 mRNA. It is a 'silent' change, meaning that it does not change the encoded amino acid sequence of the KBTBD13 protein. This variant is not present in population databases (gnomAD no frequency). This variant has not been reported in the literature in individuals affected with KBTBD13-related conditions. In summary, the available evidence is currently insufficient to determine the role of this variant in disease. Therefore, it has been classified as a Variant of Uncertain Significance.